The following is an entry in ClinVar:

ClinVar aggregate classification (germline): Uncertain significance (1 of 4 stars; one submission).

Conditions:
Myofibrillar myopathy 5. Also called: Filaminopathy (type); FILAMINOPATHY, AUTOSOMAL DOMINANT. Identifiers: Orphanet 171445, MedGen C1836050, MONDO:0012289, OMIM 609524.
Distal myopathy with posterior leg and anterior hand involvement. Also called: WILLIAMS DISTAL MYOPATHY. Identifiers: Orphanet 63273, MedGen C3279722, MONDO:0013550, OMIM 614065.
Hypertrophic cardiomyopathy 26. Also called: Cardiomyopathy, familial hypertrophic, 26. Identifiers: Orphanet 75249, MedGen C4310749, MONDO:0014883, OMIM 617047.

Submission:

Labcorp Genetics (formerly Invitae), Labcorp
Classification: Uncertain significance for Distal myopathy with posterior leg and anterior hand involvement; Myofibrillar myopathy 5; Hypertrophic cardiomyopathy 26. Last evaluated: 2021-07-01. Review status: criteria provided, single submitter. Criteria: Invitae Variant Classification Sherloc (09022015). Collection method: clinical testing. Allele origin: germline.
Comment: This sequence change replaces valine with isoleucine at codon 2708 of the FLNC protein (p.Val2708Ile). The valine residue is highly conserved and there is a small physicochemical difference between valine and isoleucine. In summary, the available evidence is currently insufficient to determine the role of this variant in disease. Therefore, it has been classified as a Variant of Uncertain Significance. Experimental studies and prediction algorithms are not available or were not evaluated, and the functional significance of this variant is currently unknown. This variant has not been reported in the literature in individuals affected with FLNC-related conditions. The frequency data for this variant in the population databases is not available, as this variant may be reported as separate entries in the ExAC database.

NM_001458.5(FLNC):c.8121_8122inv (p.Val2708Ile)

Genes: FLNC-AS1 (FLNC antisense RNA 1; minus strand), FLNC (filamin C; plus strand). Cytogenetic location: 7q32.1.
Variant type: Inversion.
Coding change: c.8121_8122inv on transcript NM_001458.5 (MANE Select).
Protein change: p.Val2708Ile; replaces valine 2708 with isoleucine.
Molecular consequence: missense variant.
Genome position: GRCh38 VCF-style: chr7-128858466-TG-CA. GRCh37 (hg19) VCF-style: chr7-128498520-TG-CA.
Other names: c.8022_8023inv, p.Val2675Ile (NM_001127487.2); short protein forms V2675I, V2708I.
Identifiers: ClinVar variation 1465459 (VCV001465459.8), ClinGen allele CA2573141646.
Genomic context (GRCh38, chr7:128,858,466, plus strand): 5'-GGGGAACCGGGTGTACAATGTCACCTACACTGTCAAGGAGAAAGGGGACTACATCCTCAT[TG>CA]TCAAGTGGGGTGACGAAAGTGTCCCTGGAAGCCCCTTCAAAGTCAAGGTCCCTTGAATCC-3'
Protein context (NP_001449.3, residues 2698-2718): VKEKGDYILI[Val2708Ile]KWGDESVPGS